The following is an entry in ClinVar:

ClinVar aggregate classification (germline): Uncertain significance (1 of 4 stars; one submission).

gnomAD v4.1: 3 of 1,613,278 alleles (0.00019%); highest among the groups gnomAD compares: African/African-American, 0.0027%; no homozygotes.

Submission:

GeneDx
Classification: Uncertain significance. Last evaluated: 2025-02-05. Review status: criteria provided, single submitter. Criteria: GeneDx Variant Classification Process June 2021. Collection method: clinical testing. Allele origin: germline. Affected: yes.
Comment: Not observed at significant frequency in large population cohorts (gnomAD); In silico analysis supports that this missense variant has a deleterious effect on protein structure/function; Has not been previously published as pathogenic or benign to our knowledge; Although located in a calcium-binding EGF-like domain of the FBN2 gene, it does not substitute or introduce a cysteine residue (PMID: 19006240, 18767143); This variant is associated with the following publications: (PMID: 19006240, 18767143)

NM_001999.4(FBN2):c.6029A>T (p.Asp2010Val)

Gene: FBN2 (fibrillin 2; minus strand). Cytogenetic location: 5q23.3.
Variant type: single nucleotide variant.
Coding change: c.6029A>T on transcript NM_001999.4 (MANE Select); coding-DNA position 6029, A replaced by T.
Protein change: p.Asp2010Val; replaces aspartic acid 2010 with valine.
Molecular consequence: missense variant.
Genome position (GRCh38, 1-based): chr5:128,301,399, T>A on the plus strand (A>T on the coding strand, the complement: FBN2 is on the minus strand). VCF-style: chr5-128301399-T-A. GRCh37 (hg19) VCF-style: chr5-127637091-T-A.
Other names: short protein forms D2010V.
Identifiers: ClinVar variation 4074438 (VCV004074438.1).